The following is an entry in ClinVar:

NM_004168.4(SDHA):c.637A>G (p.Thr213Ala)

Gene: SDHA (succinate dehydrogenase complex flavoprotein subunit A; plus strand). Cytogenetic location: 5p15.33.
Variant type: single nucleotide variant.
Coding change: c.637A>G on transcript NM_004168.4 (MANE Select); coding-DNA position 637, A replaced by G.
Protein change: p.Thr213Ala; replaces threonine 213 with alanine.
Molecular consequence: missense variant.
Genome position (GRCh38, 1-based): chr5:228,200, A>G. VCF-style: chr5-228200-A-G. GRCh37 (hg19) VCF-style: chr5-228315-A-G.
Other names: c.493A>G, p.Thr165Ala (NM_001294332.2); c.637A>G, p.Thr213Ala (NM_001330758.2); c.637A>G (NM_004168.2); short protein forms T165A, T213A.
Identifiers: ClinVar variation 2678618 (VCV002678618.5), dbSNP rs1735161892, ClinGen allele CA359010817.
Genomic context (GRCh38, chr5:228,200, plus strand): 5'-AGTTTGGCTTAACACTTCTTGCCCTTTTTTTTTCCTTTCTTTTAGTCTCTGCGATATGAT[A>G]CCAGCTATTTTGTGGAGTATTTTGCCTTGGATCTCCTGATGGAGAATGGGGAGTGCCGTG-3'
Protein context (NP_004159.2, residues 203-223): TLYGRSLRYD[Thr213Ala]SYFVEYFALD

ClinVar aggregate classification (germline): Uncertain significance. Review status: criteria provided, multiple submitters, no conflicts (2 of 4 stars). 3 submissions from 3 submitters: Uncertain significance (3). Last evaluated 2025-11-09.

Conditions:
Dilated cardiomyopathy 1GG (CMD1GG). Identifiers: Orphanet 154, MedGen C3150898, MONDO:0013339, OMIM 613642.
Pheochromocytoma/paraganglioma syndrome 5. Also called: Paragangliomas 5; SDHA-Related Hereditary Paraganglioma-Pheochromocytoma Syndrome. Identifiers: Orphanet 29072, MedGen C3279992, MONDO:0013602, OMIM 614165.
Mitochondrial complex II deficiency, nuclear type 1. Also called: SUCCINATE CoQ REDUCTASE DEFICIENCY. Identifiers: Orphanet 3208, MedGen C5700310, MONDO:0100294, OMIM 252011.
Hereditary cancer-predisposing syndrome. Also called: Hereditary neoplastic syndrome; Neoplastic Syndromes, Hereditary; Tumor predisposition; Hereditary Cancer Syndrome. Identifiers: Orphanet 140162, MedGen C0027672, MeSH D009386, MONDO:0015356.

Allele frequency attached by ClinVar (database versions not stated): TOPMed below 0.00001.

Submissions (3):

Labcorp Genetics (formerly Invitae), Labcorp
Classification: Uncertain significance for Pheochromocytoma/paraganglioma syndrome 5; Mitochondrial complex II deficiency, nuclear type 1. Last evaluated: 2025-11-09. Review status: criteria provided, single submitter. Criteria: Invitae Variant Classification Sherloc (09022015). Collection method: clinical testing. Allele origin: germline.
Comment: This sequence change replaces threonine, which is neutral and polar, with alanine, which is neutral and non-polar, at codon 213 of the SDHA protein (p.Thr213Ala). This variant is not present in population databases (gnomAD no frequency). This variant has not been reported in the literature in individuals affected with SDHA-related conditions. ClinVar contains an entry for this variant (Variation ID: 2678618). Invitae Evidence Modeling of protein sequence and biophysical properties (such as structural, functional, and spatial information, amino acid conservation, physicochemical variation, residue mobility, and thermodynamic stability) indicates that this missense variant is not expected to disrupt SDHA protein function with a negative predictive value of 95%. In summary, the available evidence is currently insufficient to determine the role of this variant in disease. Therefore, it has been classified as a Variant of Uncertain Significance.

Ambry Genetics
Classification: Uncertain significance for Hereditary cancer-predisposing syndrome. Last evaluated: 2023-10-08. Review status: criteria provided, single submitter. Criteria: Ambry Variant Classification Scheme 2023. Collection method: clinical testing. Allele origin: germline.
Comment: The p.T213A variant (also known as c.637A>G), located in coding exon 6 of the SDHA gene, results from an A to G substitution at nucleotide position 637. The threonine at codon 213 is replaced by alanine, an amino acid with similar properties. This amino acid position is conserved. In addition, the in silico prediction for this alteration is inconclusive. Since supporting evidence is limited at this time, the clinical significance of this alteration remains unclear.

Baylor Genetics
Classification: Uncertain significance for Dilated cardiomyopathy 1GG. Last evaluated: 2023-08-09. Review status: criteria provided, single submitter. Criteria: ACMG Guidelines, 2015. Collection method: clinical testing. Allele origin: unknown.